The following is an entry in ClinVar:

NM_002340.6(LSS):c.860C>T (p.Thr287Met)

Gene: LSS (lanosterol synthase; minus strand). Cytogenetic location: 21q22.3.
Variant type: single nucleotide variant.
Coding change: c.860C>T on transcript NM_002340.6 (MANE Select); coding-DNA position 860, C replaced by T.
Protein change: p.Thr287Met; replaces threonine 287 with methionine.
Molecular consequence: missense variant.
Genome position (GRCh38, 1-based): chr21:46,215,717, G>A on the plus strand (C>T on the coding strand, the complement: LSS is on the minus strand). VCF-style: chr21-46215717-G-A. GRCh37 (hg19) VCF-style: chr21-47635631-G-A.
Other names: c.860C>T, p.Thr287Met (NM_001001438.3); c.827C>T, p.Thr276Met (NM_001145436.2); c.620C>T, p.Thr207Met (NM_001145437.2); c.860C>T (NM_002340.5); short protein forms T207M, T287M, T276M.
Identifiers: ClinVar variation 722443 (VCV000722443.33), dbSNP rs79710966, ClinGen allele CA10075294.

ClinVar aggregate classification (germline): Benign/Likely benign. Review status: criteria provided, multiple submitters, no conflicts (2 of 4 stars). 4 submissions from 4 submitters: Benign (2); Likely benign (2). Last evaluated 2025-09-21.

Conditions:
Inborn genetic diseases. Identifiers: MedGen C0950123, MeSH D030342.

Allele frequency attached by ClinVar (database versions not stated): gnomAD 0.00288 and 0.00308; 1000 Genomes Project 30x 0.00297; ESP Exome Variant Server 0.00323; TOPMed 0.00326; gnomAD exomes 0.00034 and 0.00079; ExAC 0.00103; 1000 Genomes Project 0.00280.
gnomAD v4.1: 950 of 1,612,350 alleles (0.059%); highest among the groups gnomAD compares: African/African-American, 0.95%; 7 homozygotes.

Submissions (4):

Labcorp Genetics (formerly Invitae), Labcorp
Classification: Benign. Last evaluated: 2025-09-21. Review status: criteria provided, single submitter. Criteria: Invitae Variant Classification Sherloc (09022015). Collection method: clinical testing. Allele origin: germline.

Ambry Genetics
Classification: Likely benign for Inborn genetic diseases. Last evaluated: 2025-08-30. Review status: criteria provided, single submitter. Criteria: Ambry Variant Classification Scheme 2023. Collection method: clinical testing. Allele origin: germline.

CeGaT Center for Human Genetics Tuebingen
Classification: Likely benign. Last evaluated: 2023-05-01. Review status: criteria provided, single submitter. Criteria: CeGaT Center For Human Genetics Tuebingen Variant Classification Criteria Version 2. Collection method: clinical testing. Allele origin: germline. Affected: yes. Observed: 1 variant allele.
Comment: LSS: BP4, BS2

Breakthrough Genomics
Classification: Benign. Review status: criteria provided, single submitter. Criteria: ACMG Guidelines, 2015. Collection method: not provided. Allele origin: germline. Inheritance: Autosomal recessive inheritance. Affected: yes.